The following continues an entry in ClinVar:

NM_000142.5(FGFR3):c.746C>G (p.Ser249Cys)

Gene: FGFR3. ClinVar aggregate classification (germline): Pathogenic. Pathogenic (19). ClinVar aggregate classification (oncogenicity): Oncogenic.

Submissions 27 to 31 of 31:

OMIM
Classification: Pathogenic for BLADDER CANCER, SOMATIC. Last evaluated: 2005-05-01. Review status: no assertion criteria provided. Collection method: literature only. Allele origin: somatic. Not counted in ClinVar's aggregate classification.

OMIM
Classification: Pathogenic for KERATOSIS, SEBORRHEIC, SOMATIC. Last evaluated: 2005-05-01. Review status: no assertion criteria provided. Collection method: literature only. Allele origin: somatic. Not counted in ClinVar's aggregate classification.

Clinical Genetics DNA and cytogenetics Diagnostics Lab, Erasmus MC, Erasmus Medical Center
Classification: Pathogenic. Review status: no assertion criteria provided. Collection method: clinical testing. Allele origin: germline. Affected: yes. Study: VKGL Data-share Consensus. Not counted in ClinVar's aggregate classification.

GeneReviews
No classification provided. Condition: Thanatophoric dysplasia type 1. Review status: no classification provided. Collection method: literature only. Allele origin: unknown. Not counted in ClinVar's aggregate classification.

Joint Genome Diagnostic Labs from Nijmegen and Maastricht, Radboudumc and MUMC+
Classification: Pathogenic. Review status: no assertion criteria provided. Collection method: clinical testing. Allele origin: germline. Affected: yes. Study: VKGL Data-share Consensus. Not counted in ClinVar's aggregate classification.

Literature cited by the submitters: PubMed 33368972 (cited by Genomenon, Inc); PubMed 9438390 (cited by Genomenon, Inc); PubMed 25606676 (cited by 3 submitters); PubMed 30692697 (cited by Genomenon, Inc); PubMed 8589699 (cited by 4 submitters); PubMed 8845844 (cited by Genomenon, Inc); PubMed 10360402 (cited by Genomenon, Inc); PubMed 11038465 (cited by Genomenon, Inc and Labcorp Genetics (formerly Invitae), Labcorp); PubMed 22414243 (cited by Genomenon, Inc); PubMed 25614871 (cited by Genomenon, Inc and 3billion); PubMed 31476288 (cited by Genomenon, Inc); PubMed 28254233 (cited by Genomenon, Inc); PubMed 27028100 (cited by Genomenon, Inc); PubMed 9042914 (cited by Genomenon, Inc); PubMed 11181569 (cited by Genomenon, Inc); PubMed 24075385 (cited by Genomenon, Inc); PubMed 25800480 (cited by Genomenon, Inc); PubMed 21536014 (cited by Genomenon, Inc); PubMed 21253318 (cited by Genomenon, Inc); PubMed 9677066 (cited by Genomenon, Inc); PubMed 17384684 (cited by 3 submitters); PubMed 19381019 (cited by Center for Genomic Medicine, Rigshospitalet, Copenhagen University Hospital and CIViC Knowledgebase, Washington University School of Medicine); PubMed 31316618 (cited by Center for Genomic Medicine, Rigshospitalet, Copenhagen University Hospital and CIViC Knowledgebase, Washington University School of Medicine); PubMed 34272467 (cited by Center for Genomic Medicine, Rigshospitalet, Copenhagen University Hospital); PubMed 11879084 (cited by Labcorp Genetics (formerly Invitae), Labcorp); PubMed 19749790 (cited by Labcorp Genetics (formerly Invitae), Labcorp and CIViC Knowledgebase, Washington University School of Medicine); PubMed 27998968 (cited by CIViC Knowledgebase, Washington University School of Medicine); PubMed 16338952 (cited by CIViC Knowledgebase, Washington University School of Medicine); PubMed 23786770 (cited by CIViC Knowledgebase, Washington University School of Medicine); PubMed 10471491 (cited by Bioinformatics dept., Datar Cancer Genetics Limited, India and OMIM); PubMed 15772091 (cited by Bioinformatics dept., Datar Cancer Genetics Limited, India and OMIM); DOI 10.3389/fonc.2020.01215 (cited by Faculté Pluridciplinaire Nador, Université Mohamed Premier); PubMed 20301540 (cited by GeneReviews); NCBI Bookshelf NBK1366 (cited by GeneReviews).